The following is an entry in ClinVar:

NM_001164277.2(SLC37A4):c.294del (p.Thr99fs)

Gene: SLC37A4 (solute carrier family 37 member 4; minus strand). Cytogenetic location: 11q23.3.
Variant type: Deletion.
Coding change: c.294del on transcript NM_001164277.2 (MANE Select); coding-DNA position 294, one base deleted (C; older notation c.294delC).
Protein change: p.Thr99fs; shifts the reading frame from threonine 99.
Molecular consequence: frameshift variant.
Genome position (GRCh38, 1-based): chr11:119,028,281, G deleted on the plus strand (C on the coding strand, the reverse complement: SLC37A4 is on the minus strand); the first of 2 consecutive G bases (chr11:119,028,281-119,028,282); deleting either gives the same sequence. VCF-style (leftmost placement, unchanged base first): chr11-119028280-TG-T. GRCh37 (hg19) VCF-style: chr11-118898990-TG-T.
Other names: c.294del, p.Thr99fs (NM_001164278.2, NM_001164280.2, NM_001467.6); c.75del, p.Thr26fs (NM_001164279.2); short protein forms T26fs, T99fs.
Identifiers: ClinVar variation 2770060 (VCV002770060.3), dbSNP rs2497032578, ClinGen allele CA2697552061.

ClinVar aggregate classification (germline): Pathogenic (1 of 4 stars; one submission).

Conditions:
Glucose-6-phosphate transport defect (GSD1B). Also called: Glycogen Storage Disease Type Ib; GSD Ib. Identifiers: Orphanet 364, Orphanet 79259, MedGen C0268146, MONDO:0009288, OMIM 232220.

Submission:

Labcorp Genetics (formerly Invitae), Labcorp
Classification: Pathogenic for Glucose-6-phosphate transport defect. Last evaluated: 2023-10-19. Review status: criteria provided, single submitter. Criteria: Invitae Variant Classification Sherloc (09022015). Collection method: clinical testing. Allele origin: germline.
Comment: This sequence change creates a premature translational stop signal (p.Thr99Glnfs*47) in the SLC37A4 gene. It is expected to result in an absent or disrupted protein product. Loss-of-function variants in SLC37A4 are known to be pathogenic (PMID: 9758626, 10940311). This variant is not present in population databases (gnomAD no frequency). This variant has not been reported in the literature in individuals affected with SLC37A4-related conditions. For these reasons, this variant has been classified as Pathogenic.

Literature cited by the submitters: PubMed 9758626; PubMed 10940311.